The following is an entry in ClinVar:

ClinVar aggregate classification (germline): Uncertain significance. Review status: criteria provided, multiple submitters, no conflicts (2 of 4 stars). 2 submissions from 2 submitters: Uncertain significance (2). Last evaluated 2025-10-15.

gnomAD v4.1: 9 of 1,614,230 alleles (0.00056%); highest among the groups gnomAD compares: Admixed American, 0.0067%; no homozygotes.

Submissions (2):

Ambry Genetics
Classification: Uncertain significance. Last evaluated: 2025-10-15. Review status: criteria provided, single submitter. Criteria: Ambry Variant Classification Scheme 2023. Collection method: clinical testing. Allele origin: germline.

Labcorp Genetics (formerly Invitae), Labcorp
Classification: Uncertain significance. Last evaluated: 2024-09-23. Review status: criteria provided, single submitter. Criteria: Invitae Variant Classification Sherloc (09022015). Collection method: clinical testing. Allele origin: germline.
Comment: This sequence change replaces alanine, which is neutral and non-polar, with valine, which is neutral and non-polar, at codon 471 of the KLF10 protein (p.Ala471Val). This variant is present in population databases (rs765091829, gnomAD 0.01%). This variant has not been reported in the literature in individuals affected with KLF10-related conditions. ClinVar contains an entry for this variant (Variation ID: 1443617). An algorithm developed to predict the effect of missense changes on protein structure and function (PolyPhen-2) suggests that this variant is likely to be tolerated. In summary, the available evidence is currently insufficient to determine the role of this variant in disease. Therefore, it has been classified as a Variant of Uncertain Significance.

NM_005655.4(KLF10):c.1412C>T (p.Ala471Val)

Gene: KLF10 (KLF transcription factor 10; minus strand). Cytogenetic location: 8q22.3.
Variant type: single nucleotide variant.
Coding change: c.1412C>T on transcript NM_005655.4 (MANE Select); coding-DNA position 1412, C replaced by T.
Protein change: p.Ala471Val; replaces alanine 471 with valine.
Molecular consequence: missense variant. On other transcripts: non-coding transcript variant (2).
Genome position (GRCh38, 1-based): chr8:102,650,163, G>A on the plus strand (C>T on the coding strand, the complement: KLF10 is on the minus strand). VCF-style: chr8-102650163-G-A. GRCh37 (hg19) VCF-style: chr8-103662391-G-A.
Other names: c.1412C>T (NM_005655.2); c.1379C>T, p.Ala460Val (NM_001032282.4); short protein forms A460V, A471V.
Identifiers: ClinVar variation 1443617 (VCV001443617.7), dbSNP rs765091829, ClinGen allele CA4833413.